The following is an entry in ClinVar:

NM_020647.4(JPH1):c.222G>A (p.Val74=)

Gene: JPH1 (junctophilin 1; minus strand). Cytogenetic location: 8q21.11.
Variant type: single nucleotide variant.
Coding change: c.222G>A on transcript NM_020647.4 (MANE Select); coding-DNA position 222, G replaced by A.
Protein change: p.Val74=; no amino-acid change (valine 74 retained).
Molecular consequence: synonymous variant.
Genome position (GRCh38, 1-based): chr8:74,321,066, C>T on the plus strand (G>A on the coding strand, the complement: JPH1 is on the minus strand). VCF-style: chr8-74321066-C-T. GRCh37 (hg19) VCF-style: chr8-75233301-C-T.
Other names: c.222G>A, p.Val74= (NM_001317830.2, NM_001363050.1, NM_001363051.1).
Identifiers: ClinVar variation 3050105 (VCV003050105.2), dbSNP rs140365097, ClinGen allele CA4784918.

ClinVar aggregate classification (germline): Likely benign (0 of 4 stars; one submission).

Conditions:
JPH1-related disorder. Also called: JPH1-related condition.

Allele frequency attached by ClinVar (database versions not stated): 1000 Genomes Project 30x 0.00016; 1000 Genomes Project 0.00020; ExAC 0.00040; gnomAD 0.00043; TOPMed 0.00043; ESP Exome Variant Server 0.00046; gnomAD exomes 0.00058.
gnomAD v4.1: 910 of 1,613,482 alleles (0.056%); highest among the groups gnomAD compares: Non-Finnish European, 0.071%; no homozygotes.

Submission:

PreventionGenetics, part of Exact Sciences
Classification: Likely benign for JPH1-related condition. Last evaluated: 2019-07-12. Review status: no assertion criteria provided. Collection method: clinical testing. Allele origin: germline.
Comment: This variant is classified as likely benign based on ACMG/AMP sequence variant interpretation guidelines (Richards et al. 2015 PMID: 25741868, with internal and published modifications).